The following is an entry in ClinVar:

ClinVar aggregate classification (germline): Uncertain significance (1 of 4 stars; one submission).

Submission:

GeneDx
Classification: Uncertain significance. Last evaluated: 2024-04-24. Review status: criteria provided, single submitter. Criteria: GeneDx Variant Classification Process June 2021. Collection method: clinical testing. Allele origin: germline. Affected: yes.
Comment: Not observed at significant frequency in large population cohorts (gnomAD); In silico analysis supports that this missense variant has a deleterious effect on protein structure/function; Has not been previously published as pathogenic or benign to our knowledge

NM_014991.6(WDFY3):c.5060C>T (p.Ala1687Val)

Gene: WDFY3 (WD repeat and FYVE domain containing 3; minus strand). Cytogenetic location: 4q21.23.
Variant type: single nucleotide variant.
Coding change: c.5060C>T on transcript NM_014991.6 (MANE Select); coding-DNA position 5060, C replaced by T.
Protein change: p.Ala1687Val; replaces alanine 1687 with valine.
Molecular consequence: missense variant.
Genome position (GRCh38, 1-based): chr4:84,765,938, G>A on the plus strand (C>T on the coding strand, the complement: WDFY3 is on the minus strand). VCF-style: chr4-84765938-G-A. GRCh37 (hg19) VCF-style: chr4-85687091-G-A.
Other names: short protein forms A1687V.
Identifiers: ClinVar variation 1693350 (VCV001693350.3), dbSNP rs2149390483, ClinGen allele CA357542815.